The following is an entry in ClinVar:

ClinVar aggregate classification (germline): Uncertain significance. Review status: criteria provided, multiple submitters, no conflicts (2 of 4 stars). 4 submissions from 4 submitters: Uncertain significance (3). 1 of the submissions does not count toward it. Last evaluated 2025-09-07.

Conditions:
Autosomal recessive ataxia, Beauce type. Also called: Spinocerebellar ataxia, autosomal recessive 8; ATAXIA, RECESSIVE, OF BEAUCE; SYNE1-Related Autosomal Recessive Cerebellar Ataxia; SYNE1 Deficiency. Identifiers: Orphanet 88644, MedGen C1853116, MONDO:0012549, OMIM 610743.
Emery-Dreifuss muscular dystrophy 4, autosomal dominant (EDMD4). Also called: EMERY-DREIFUSS MUSCULAR DYSTROPHY 4 WITH VARIABLE FEATURES. Identifiers: Orphanet 261, MedGen C2751807, MONDO:0013071, OMIM 612998.
Hereditary spherocytosis type 3. Also called: Spherocytosis type 3; SPTA1-Related Spherocytosis. Identifiers: Orphanet 822, MedGen C2678338, MONDO:0010053, OMIM 270970.

Allele frequency attached by ClinVar (database versions not stated): gnomAD exomes below 0.00001 and 0.00001; ExAC 0.00002.
gnomAD v4.1: 7 of 1,614,172 alleles (0.00043%); highest among the groups gnomAD compares: Middle Eastern, 0.033%; no homozygotes.

Submissions (4):

Labcorp Genetics (formerly Invitae), Labcorp
Classification: Uncertain significance for Emery-Dreifuss muscular dystrophy 4, autosomal dominant; Autosomal recessive ataxia, Beauce type. Last evaluated: 2025-09-07. Review status: criteria provided, single submitter. Criteria: Invitae Variant Classification Sherloc (09022015). Collection method: clinical testing. Allele origin: germline.
Comment: This sequence change replaces leucine, which is neutral and non-polar, with methionine, which is neutral and non-polar, at codon 3213 of the SYNE1 protein (p.Leu3213Met). This variant is present in population databases (rs587777426, gnomAD 0.003%). This variant has not been reported in the literature in individuals affected with SYNE1-related conditions. ClinVar contains an entry for this variant (Variation ID: 135636). An algorithm developed to predict the effect of missense changes on protein structure and function (PolyPhen-2) suggests that this variant is likely to be disruptive. In summary, the available evidence is currently insufficient to determine the role of this variant in disease. Therefore, it has been classified as a Variant of Uncertain Significance.

Johns Hopkins Genomics, Johns Hopkins University
Classification: Uncertain significance for Hereditary spherocytosis type 3. Last evaluated: 2024-11-13. Review status: criteria provided, single submitter. Criteria: ACMG Guidelines, 2015. Collection method: clinical testing. Allele origin: germline.
Comment: The variant (rs587777426) is rare (<0.1%) in a large population dataset (gnomAD v4.1.0 7/1614172 total alleles, 0.0004%, 0 homozygotes) and has been reported in ClinVar (Variation ID: 135636). Two bioinformatic tools queried predict that this substitution would be damaging to the protein. The leucine residue at this position is evolutionary conserved across most of the species assessed. We consider the clinical significance of c.9616C>A in SYNE1 to be uncertain at this time.

Revvity Omics, Revvity
Classification: Uncertain significance. Last evaluated: 2019-12-09. Review status: criteria provided, single submitter. Criteria: ACMG Guidelines, 2015. Collection method: clinical testing. Allele origin: germline.

OMIM
Classification: Uncertain significance for VARIANT OF UNKNOWN SIGNIFICANCE. Last evaluated: 2013-01-23. Review status: no assertion criteria provided. Collection method: literature only. Allele origin: germline. Not counted in ClinVar's aggregate classification.

Literature cited by the submitters: PubMed 23352163 (cited by Johns Hopkins Genomics, Johns Hopkins University and OMIM); PubMed 30245638 (cited by Johns Hopkins Genomics, Johns Hopkins University).

NM_182961.4(SYNE1):c.9616C>A (p.Leu3206Met)

Gene: SYNE1 (spectrin repeat containing nuclear envelope protein 1; minus strand). Cytogenetic location: 6q25.2.
Variant type: single nucleotide variant.
Coding change: c.9616C>A on transcript NM_182961.4 (MANE Select); coding-DNA position 9616, C replaced by A.
Protein change: p.Leu3206Met; replaces leucine 3206 with methionine.
Molecular consequence: missense variant.
Genome position (GRCh38, 1-based): chr6:152,369,506, G>T on the plus strand (C>A on the coding strand, the complement: SYNE1 is on the minus strand). VCF-style: chr6-152369506-G-T. GRCh37 (hg19) VCF-style: chr6-152690641-G-T.
Other names: c.9637C>A (NM_033071.3); c.9637C>A, p.Leu3213Met (NM_033071.5); short protein forms L3206M, L3213M.
Identifiers: ClinVar variation 135636 (VCV000135636.13), dbSNP rs587777426, ClinGen allele CA232426.